The following is an entry in ClinVar:

ClinVar aggregate classification (germline): Uncertain significance (1 of 4 stars; one submission).

Conditions:
Methylcobalamin deficiency type cblE (HMAE). Also called: HOMOCYSTINURIA-MEGALOBLASTIC ANEMIA, cblE TYPE; VITAMIN B12-RESPONSIVE HOMOCYSTINURIA, cblE TYPE; HOMOCYSTINURIA-MEGALOBLASTIC ANEMIA, cblE COMPLEMENTATION TYPE. Identifiers: Orphanet 2169, Orphanet 622, MedGen C1856057, MONDO:0009354, OMIM 236270.

Allele frequency attached by ClinVar (database versions not stated): gnomAD exomes below 0.00001.
gnomAD v4.1: 1 of 1,613,716 alleles (0.000062%); highest among the groups gnomAD compares: Non-Finnish European, 0.000085%; no homozygotes.

Submission:

Labcorp Genetics (formerly Invitae), Labcorp
Classification: Uncertain significance for Methylcobalamin deficiency type cblE. Last evaluated: 2022-06-05. Review status: criteria provided, single submitter. Criteria: Invitae Variant Classification Sherloc (09022015). Collection method: clinical testing. Allele origin: germline.
Comment: In summary, the available evidence is currently insufficient to determine the role of this variant in disease. Therefore, it has been classified as a Variant of Uncertain Significance. ClinVar contains an entry for this variant (Variation ID: 1446010). Algorithms developed to predict the effect of missense changes on protein structure and function are either unavailable or do not agree on the potential impact of this missense change (SIFT: "Deleterious"; PolyPhen-2: "Probably Damaging"; Align-GVGD: "Class C0"). This variant has not been reported in the literature in individuals affected with MTRR-related conditions. This variant is not present in population databases (gnomAD no frequency). This sequence change replaces leucine, which is neutral and non-polar, with arginine, which is basic and polar, at codon 150 of the MTRR protein (p.Leu150Arg).

NM_002454.3(MTRR):c.449T>G (p.Leu150Arg)

Gene: MTRR (5-methyltetrahydrofolate-homocysteine methyltransferase reductase; plus strand). Cytogenetic location: 5p15.31.
Variant type: single nucleotide variant.
Coding change: c.449T>G on transcript NM_002454.3 (MANE Select); coding-DNA position 449, T replaced by G.
Protein change: p.Leu150Arg; replaces leucine 150 with arginine.
Molecular consequence: missense variant. On other transcripts: non-coding transcript variant (14).
Genome position (GRCh38, 1-based): chr5:7,877,991, T>G. VCF-style: chr5-7877991-T-G. GRCh37 (hg19) VCF-style: chr5-7878104-T-G.
Other names: c.449T>G, p.Leu150Arg (NM_001364440.2, NM_001364441.2, NM_001364442.2 and 1 more transcripts); short protein forms L150R.
Identifiers: ClinVar variation 1446010 (VCV001446010.6), dbSNP rs2126693065, ClinGen allele CA359156759.